The following is an entry in ClinVar:

NM_000204.5(CFI):c.1297A>G (p.Ile433Val)

Gene: CFI (complement factor I; minus strand). Cytogenetic location: 4q25.
Variant type: single nucleotide variant.
Coding change: c.1297A>G on transcript NM_000204.5 (MANE Select); coding-DNA position 1297, A replaced by G.
Protein change: p.Ile433Val; replaces isoleucine 433 with valine.
Molecular consequence: missense variant. On other transcripts: non-coding transcript variant (2).
Genome position (GRCh38, 1-based): chr4:109,746,354, T>C on the plus strand (A>G on the coding strand, the complement: CFI is on the minus strand). VCF-style: chr4-109746354-T-C. GRCh37 (hg19) VCF-style: chr4-110667510-T-C.
Other names: c.1321A>G, p.Ile441Val (NM_001318057.2, NM_001375278.1, NM_001440988.1); c.1276A>G, p.Ile426Val (NM_001331035.2, NM_001375280.1, NM_001375282.1 and 1 more transcripts); c.1297A>G, p.Ile433Val (NM_001375279.1, NM_001375281.1, NM_001440989.1); c.1240A>G, p.Ile414Val (NM_001375283.1); c.688A>G, p.Ile230Val (NM_001375284.1); c.1318A>G, p.Ile440Val (NM_001440985.1, NM_001440986.1); short protein forms I230V, I414V, I426V, I433V, I440V, I441V.
Identifiers: ClinVar variation 4280497 (VCV004280497.1).

ClinVar aggregate classification (germline): Likely pathogenic (1 of 4 stars; one submission).

Conditions:
CFI-related disorder. Also called: CFI-related condition; CFI-related disorders. Identifiers: MedGen CN239325.

Submission:

Genomenon, Inc
Classification: Likely pathogenic for CFI-related disorder. Last evaluated: 2025-09-26. Review status: criteria provided, single submitter. Criteria: Genomenon Sequence Variant Interpretation Standards - Updated. Collection method: curation. Allele origin: germline. Affected: yes.
Comment: CFI p.Ile433Val (c.1297A>G) is a missense variant that changes the amino acid at residue 433 from Isoleucine to Valine. This variant has been observed in at least one proband affected with a CFI-related disorder (PMID:17599974;32510551). Functional studies have been reported; however, the significance of the findings remain unclear (PMID:32510551;20016463). It is absent or not present at a significant frequency in gnomAD. The presence of pathogenic/likely pathogenic missense variant(s) at the same amino acid position indicates that this residue is likely important for protein function. In conclusion, we classify CFI p.Ile433Val (c.1297A>G) as a likely pathogenic variant.

Literature cited by the submitters: PubMed 17599974; 32510551; 20016463.